The following is an entry in ClinVar:

ClinVar aggregate classification (germline): Uncertain significance. Review status: criteria provided, multiple submitters, no conflicts (2 of 4 stars). 2 submissions from 2 submitters: Uncertain significance (2). Last evaluated 2024-09-11.

Conditions:
Autosomal recessive ataxia, Beauce type. Also called: SYNE1-Related Autosomal Recessive Cerebellar Ataxia; Spinocerebellar ataxia, autosomal recessive 8; ATAXIA, RECESSIVE, OF BEAUCE; SYNE1 Deficiency. Identifiers: Orphanet 88644, MedGen C1853116, MONDO:0012549, OMIM 610743.
Emery-Dreifuss muscular dystrophy 4, autosomal dominant (EDMD4). Also called: EMERY-DREIFUSS MUSCULAR DYSTROPHY 4 WITH VARIABLE FEATURES. Identifiers: Orphanet 261, MedGen C2751807, MONDO:0013071, OMIM 612998.

Allele frequency attached by ClinVar (database versions not stated): gnomAD 0.00001; gnomAD exomes 0.00001; TOPMed 0.00001.
gnomAD v4.1: 8 of 1,614,088 alleles (0.0005%); highest among the groups gnomAD compares: Non-Finnish European, 0.00068%; no homozygotes.

Submissions (2):

GeneDx
Classification: Uncertain significance. Last evaluated: 2024-09-11. Review status: criteria provided, single submitter. Criteria: GeneDx Variant Classification Process June 2021. Collection method: clinical testing. Allele origin: germline. Affected: yes.
Comment: Not observed at significant frequency in large population cohorts (gnomAD); In silico analysis indicates that this missense variant does not alter protein structure/function; Has not been previously published as pathogenic or benign to our knowledge

Labcorp Genetics (formerly Invitae), Labcorp
Classification: Uncertain significance for Emery-Dreifuss muscular dystrophy 4, autosomal dominant; Autosomal recessive ataxia, Beauce type. Last evaluated: 2022-02-19. Review status: criteria provided, single submitter. Criteria: Invitae Variant Classification Sherloc (09022015). Collection method: clinical testing. Allele origin: germline.
Comment: This variant has not been reported in the literature in individuals affected with SYNE1-related conditions. In summary, the available evidence is currently insufficient to determine the role of this variant in disease. Therefore, it has been classified as a Variant of Uncertain Significance. Algorithms developed to predict the effect of missense changes on protein structure and function (SIFT, PolyPhen-2, Align-GVGD) all suggest that this variant is likely to be tolerated. This variant is present in population databases (no rsID available, gnomAD 0.002%). This sequence change replaces lysine, which is basic and polar, with arginine, which is basic and polar, at codon 6032 of the SYNE1 protein (p.Lys6032Arg).

NM_182961.4(SYNE1):c.18308A>G (p.Lys6103Arg)

Gene: SYNE1 (spectrin repeat containing nuclear envelope protein 1; minus strand). Cytogenetic location: 6q25.2.
Variant type: single nucleotide variant.
Coding change: c.18308A>G on transcript NM_182961.4 (MANE Select); coding-DNA position 18308, A replaced by G.
Protein change: p.Lys6103Arg; replaces lysine 6103 with arginine.
Molecular consequence: missense variant.
Genome position (GRCh38, 1-based): chr6:152,281,880, T>C on the plus strand (A>G on the coding strand, the complement: SYNE1 is on the minus strand). VCF-style: chr6-152281880-T-C. GRCh37 (hg19) VCF-style: chr6-152603015-T-C.
Other names: c.18095A>G, p.Lys6032Arg (NM_033071.5); short protein forms K6103R, K6032R.
Identifiers: ClinVar variation 2151092 (VCV002151092.5), dbSNP rs1395884759, ClinGen allele CA366095466.
Genomic context (GRCh38, chr6:152,281,880, plus strand): 5'-AGCTGGGCCTCCATGTCCATGGGCTCCTTGGGTGGACTCAGCGCAGTGTCCAGAGTGGCC[T>C]TGGTACTCAAGAGCCAGCTGTCCAGCTCATCGGCTTCACAGCGATACCTCTGCAGGGCCT-3'
Protein context (NP_892006.3, residues 6093-6113): DELDSWLLST[Lys6103Arg]ATLDTALSPP